The following is an entry in ClinVar:

ClinVar aggregate classification (germline): Uncertain significance. Review status: criteria provided, multiple submitters, no conflicts (2 of 4 stars). 2 submissions from 2 submitters: Uncertain significance (2). Last evaluated 2025-06-06.

Conditions:
Hereditary cancer-predisposing syndrome. Also called: Hereditary Cancer Syndrome; Hereditary neoplastic syndrome; Neoplastic Syndromes, Hereditary; Tumor predisposition. Identifiers: Orphanet 140162, MedGen C0027672, MeSH D009386, MONDO:0015356.
Hereditary diffuse gastric adenocarcinoma (HDGC). Also called: DIFFUSE GASTRIC AND LOBULAR BREAST CANCER SYNDROME. Identifiers: Orphanet 26106, MedGen C1708349, MONDO:0007648, OMIM 137215.

Allele frequency attached by ClinVar (database versions not stated): gnomAD exomes below 0.00001; ExAC 0.00001.

Submissions (2):

Labcorp Genetics (formerly Invitae), Labcorp
Classification: Uncertain significance for Hereditary diffuse gastric adenocarcinoma. Last evaluated: 2025-06-06. Review status: criteria provided, single submitter. Criteria: Invitae Variant Classification Sherloc (09022015). Collection method: clinical testing. Allele origin: germline.
Comment: This sequence change replaces proline, which is neutral and non-polar, with serine, which is neutral and polar, at codon 645 of the CDH1 protein (p.Pro645Ser). This variant is present in population databases (rs747240698, gnomAD 0.0009%). This variant has not been reported in the literature in individuals affected with CDH1-related conditions. ClinVar contains an entry for this variant (Variation ID: 922564). An algorithm developed to predict the effect of missense changes on protein structure and function outputs the following: PolyPhen-2: "Benign". The serine amino acid residue is found in multiple mammalian species, which suggests that this missense change does not adversely affect protein function. In summary, the available evidence is currently insufficient to determine the role of this variant in disease. Therefore, it has been classified as a Variant of Uncertain Significance.

Color Diagnostics, LLC DBA Color Health
Classification: Uncertain significance for Hereditary cancer-predisposing syndrome. Last evaluated: 2019-02-01. Review status: criteria provided, single submitter. Criteria: ACMG Guidelines, 2015. Collection method: clinical testing. Allele origin: germline.

NM_004360.5(CDH1):c.1933C>T (p.Pro645Ser)

Gene: CDH1 (cadherin 1; plus strand). Cytogenetic location: 16q22.1.
Variant type: single nucleotide variant.
Coding change: c.1933C>T on transcript NM_004360.5 (MANE Select); coding-DNA position 1933, C replaced by T.
Protein change: p.Pro645Ser; replaces proline 645 with serine.
Molecular consequence: missense variant. On other transcripts: 5 prime UTR variant (1).
Genome position (GRCh38, 1-based): chr16:68,822,222, C>T. VCF-style: chr16-68822222-C-T. GRCh37 (hg19) VCF-style: chr16-68856125-C-T.
Other names: c.1750C>T, p.Pro584Ser (NM_001317184.2); c.385C>T, p.Pro129Ser (NM_001317185.2); c.-33C>T (NM_001317186.2); short protein forms P584S, P645S, P129S.
Identifiers: ClinVar variation 922564 (VCV000922564.3), dbSNP rs747240698, ClinGen allele CA8130165.